The following is an entry in ClinVar:

NM_000254.3(MTR):c.2473+14A>G

Gene: MTR (5-methyltetrahydrofolate-homocysteine methyltransferase; plus strand). Cytogenetic location: 1q43.
Variant type: single nucleotide variant.
Coding change: c.2473+14A>G on transcript NM_000254.3 (MANE Select); 14 bases into the intron after coding-DNA position 2473, A replaced by G.
Molecular consequence: intron variant.
Genome position (GRCh38, 1-based): chr1:236,873,854, A>G. VCF-style: chr1-236873854-A-G. GRCh37 (hg19) VCF-style: chr1-237037154-A-G.
Other names: c.2320+14A>G (NM_001291939.1); c.1252+14A>G (NM_001291940.2).
Identifiers: ClinVar variation 507929 (VCV000507929.6), dbSNP rs193210789, ClinGen allele CA1474394.

ClinVar aggregate classification (germline): Likely benign. Review status: criteria provided, multiple submitters, no conflicts (2 of 4 stars). 2 submissions from 2 submitters: Likely benign (2). Last evaluated 2025-10-13.

Conditions:
Methylcobalamin deficiency type cblG (HMAG). Also called: Functional methionine synthase deficiency type cblG; HOMOCYSTINURIA-MEGALOBLASTIC ANEMIA, cblG COMPLEMENTATION TYPE; HOMOCYSTINURIA-MEGALOBLASTIC ANEMIA, cblG TYPE; HOMOCYSTINURIA-MEGALOBLASTIC ANEMIA DUE TO DEFECT IN COBALAMIN METABOLISM, cblG COMPLEMENTATION TYPE. Identifiers: Orphanet 2170, Orphanet 622, MedGen C1855128, MONDO:0009609, OMIM 250940.

Allele frequency attached by ClinVar (database versions not stated): gnomAD exomes 0.00006 and 0.00002; TOPMed 0.00006; 1000 Genomes Project 0.00020; 1000 Genomes Project 30x 0.00031; ExAC 0.00003; gnomAD 0.00003.
gnomAD v4.1: 37 of 1,612,512 alleles (0.0023%); highest among the groups gnomAD compares: Admixed American, 0.028%; no homozygotes.

Submissions (2):

Labcorp Genetics (formerly Invitae), Labcorp
Classification: Likely benign for Methylcobalamin deficiency type cblG. Last evaluated: 2025-10-13. Review status: criteria provided, single submitter. Criteria: Invitae Variant Classification Sherloc (09022015). Collection method: clinical testing. Allele origin: germline.

GeneDx
Classification: Likely benign. Last evaluated: 2017-03-22. Review status: criteria provided, single submitter. Criteria: GeneDx Variant Classification (06012015). Collection method: clinical testing. Allele origin: germline. Affected: yes.
Comment: This variant is considered likely benign or benign based on one or more of the following criteria: it is a conservative change, it occurs at a poorly conserved position in the protein, it is predicted to be benign by multiple in silico algorithms, and/or has population frequency not consistent with disease.